The following is an entry in ClinVar:

ClinVar aggregate classification (germline): Likely benign. Review status: reviewed by expert panel (3 of 4 stars). 2 submissions from 2 submitters: Likely benign (1). 1 of the submissions does not count toward it. Last evaluated 2026-05-19.

Conditions:
PIK3R1-related immunodeficiency and SHORT syndrome. Identifiers: MedGen CN379774, MONDO:1060136.
Immunodeficiency 36 with lymphoproliferation. Also called: ACTIVATED PI3K-DELTA SYNDROME 2; Immunodeficiency 36; Activated PI3K Delta Syndrome Type 2 (APDS2). Identifiers: Orphanet 397596, Orphanet 693681, MedGen C4014934, MONDO:0014453, OMIM 616005.
Agammaglobulinemia 7, autosomal recessive (AGM7). Also called: AGAMMAGLOBULINEMIA, AUTOSOMAL RECESSIVE, DUE TO PIK3R1 DEFECT. Identifiers: MedGen C3554689, MONDO:0014083, OMIM 615214.
SHORT syndrome. Also called: PIK3R1-Related SHORT Syndrome; SHORT STATURE, HYPEREXTENSIBILITY, HERNIA, OCULAR DEPRESSION, RIEGER ANOMALY, AND TEETHING DELAY; LIPODYSTROPHY, PARTIAL, WITH RIEGER ANOMALY AND SHORT STATURE. Identifiers: Orphanet 3163, MedGen C0878684, MONDO:0010026, OMIM 269880.

Allele frequency attached by ClinVar (database versions not stated): gnomAD exomes below 0.00001; gnomAD 0.00001; TOPMed 0.00001.
gnomAD v4.1: 4 of 1,614,036 alleles (0.00025%); highest among the groups gnomAD compares: Admixed American, 0.0033%; no homozygotes.

Submissions (2):

ClinGen Primary Immune Regulatory Disorders Variant Curation Expert Panel, ClinGen
Classification: Likely benign for PIK3R1-related immunodeficiency and SHORT syndrome. Last evaluated: 2026-05-19. Review status: reviewed by expert panel. Criteria: ClinGen AbDef ACMG Specifications PIK3R1 V1.0.0. Collection method: curation. Allele origin: germline. Inheritance: Autosomal dominant inheritance.
Comment: NM_181523.3(PIK3R1):c.102A>G (p.Lys34=) is a synonymous variant in exon 2 that is not predicted to impact PIK3R1 splicing (BP7). The splicing impact predictor SpliceAI gives a delta score of 0.03 for donor loss, which is below the ClinGen Antibody Deficiencies VCEP recommended threshold of <0.1 and does not strongly predict an impact on splicing (BP4). This variant is present in gnomAD v4.1.0 at a total allele frequency of 0.000002478, with 4 alleles / 1,614,036 total alleles across all populations of gnomAD, which is higher than the ClinGen Antibody Deficiencies PM2_Supporting threshold of 0.00000132. This variant is present in gnomAD v4.1.0 at a GrpMax allele frequency of 0.000005530, with 2 alleles / 59,998 total alleles in the Admixed American population, which is lower than the BS1 threshold of >0.000316, so no population code is met. In summary, this variant meets the criteria to be classified as a variant of uncertain significance for autosomal dominant PIK3R1-related immunodeficiency and SHORT syndrome based on the ACMG/AMP criteria applied, as specified by the ClinGen Antibody Deficiencies VCEP: BP4 and BP7. (VCEP specifications version 1.0.0; date of approval 04/29/2026).

Labcorp Genetics (formerly Invitae), Labcorp
Classification: Likely benign for SHORT syndrome; Immunodeficiency 36 with lymphoproliferation; Agammaglobulinemia 7, autosomal recessive. Last evaluated: 2023-02-21. Review status: criteria provided, single submitter. Criteria: Invitae Variant Classification Sherloc (09022015). Collection method: clinical testing. Allele origin: germline. Not counted in ClinVar's aggregate classification.

NM_181523.3(PIK3R1):c.102A>G (p.Lys34=)

Gene: PIK3R1 (phosphoinositide-3-kinase regulatory subunit 1; plus strand). Cytogenetic location: 5q13.1.
Variant type: single nucleotide variant.
Coding change: c.102A>G on transcript NM_181523.3 (MANE Select); coding-DNA position 102, A replaced by G.
Protein change: p.Lys34=; no amino-acid change (lysine 34 retained).
Molecular consequence: synonymous variant.
Genome position (GRCh38, 1-based): chr5:68,226,777, A>G. VCF-style: chr5-68226777-A-G. GRCh37 (hg19) VCF-style: chr5-67522605-A-G.
Other names: NM_181523.3(PIK3R1):c.102A>G; p.Lys34=.
Identifiers: ClinVar variation 2930667 (VCV002930667.4), dbSNP rs972251443, ClinGen allele CA120629740.
Genomic context (GRCh38, chr5:68,226,777, plus strand): 5'-TAAAAAGGAAAGAGAAGAAGATATTGACTTGCACTTGGGTGACATATTGACTGTGAATAA[A>G]GGGTCCTTAGTAGCTCTTGGATTCAGTGATGGACAGGAAGCCAGGCCTGAAGAAATTGGC-3'
Protein context (NP_852664.1, residues 24-44): LHLGDILTVN[Lys34=]GSLVALGFSD